The following is an entry in ClinVar:

NM_003738.5(PTCH2):c.976C>T (p.Arg326Cys)

Gene: PTCH2 (patched 2; minus strand). Cytogenetic location: 1p34.1.
Variant type: single nucleotide variant.
Coding change: c.976C>T on transcript NM_003738.5 (MANE Select); coding-DNA position 976, C replaced by T.
Protein change: p.Arg326Cys; replaces arginine 326 with cysteine.
Molecular consequence: missense variant.
Genome position (GRCh38, 1-based): chr1:44,829,721, G>A on the plus strand (C>T on the coding strand, the complement: PTCH2 is on the minus strand). VCF-style: chr1-44829721-G-A. GRCh37 (hg19) VCF-style: chr1-45295393-G-A.
Other names: c.976C>T, p.Arg326Cys (NM_001166292.2); short protein forms R326C.
Identifiers: ClinVar variation 2721704 (VCV002721704.4), dbSNP rs779438541, ClinGen allele CA823475.

ClinVar aggregate classification (germline): Uncertain significance. Review status: criteria provided, multiple submitters, no conflicts (2 of 4 stars). 2 submissions from 2 submitters: Uncertain significance (2). Last evaluated 2024-06-28.

Conditions:
Gorlin syndrome. Also called: Nevoid Basal Cell Carcinoma Syndrome; Basal cell nevus syndrome. Identifiers: Orphanet 377, MedGen C0004779, MONDO:0007187.
Basal cell nevus syndrome 1 (BCNS1). Also called: GORLIN-GOLTZ SYNDROME; MULTIPLE BASAL CELL NEVI, ODONTOGENIC KERATOCYSTS, AND SKELETAL ANOMALIES. Identifiers: MedGen CN376810, MONDO:0958174, OMIM 109400.

Allele frequency attached by ClinVar (database versions not stated): ExAC 0.00001; gnomAD 0.00001; gnomAD exomes 0.00001; TOPMed 0.00001.
gnomAD v4.1: 12 of 1,614,094 alleles (0.00074%); highest among the groups gnomAD compares: East Asian, 0.0045%; no homozygotes.

Submissions (2):

St. Jude Molecular Pathology, St. Jude Children's Research Hospital
Classification: Uncertain significance for Basal cell nevus syndrome 1. Last evaluated: 2024-06-28. Review status: criteria provided, single submitter. Criteria: St. Jude Assertion Criteria 2020. Collection method: clinical testing. Allele origin: germline.
Comment: The PTCH2 c.976C>T (p.Arg326Cys) missense change has a maximum subpopulation frequency of 0.005% in gnomAD v2.1.1. The in silico tool REVEL predicts a deleterious effect on protein function, but to our knowledge this prediction has not been confirmed by functional studies. To our knowledge, this variant has not been reported in individuals with nevoid basal cell carcinoma syndrome.??In summary, the evidence currently available is insufficient to determine the clinical significance of this variant. It has therefore been classified as of uncertain significance.??

Labcorp Genetics (formerly Invitae), Labcorp
Classification: Uncertain significance for Gorlin syndrome. Last evaluated: 2023-12-05. Review status: criteria provided, single submitter. Criteria: Invitae Variant Classification Sherloc (09022015). Collection method: clinical testing. Allele origin: germline.
Comment: This sequence change replaces arginine, which is basic and polar, with cysteine, which is neutral and slightly polar, at codon 326 of the PTCH2 protein (p.Arg326Cys). This variant is present in population databases (rs779438541, gnomAD 0.006%). This variant has not been reported in the literature in individuals affected with PTCH2-related conditions. Advanced modeling of protein sequence and biophysical properties (such as structural, functional, and spatial information, amino acid conservation, physicochemical variation, residue mobility, and thermodynamic stability) performed at Invitae indicates that this missense variant is not expected to disrupt PTCH2 protein function with a negative predictive value of 80%. In summary, the available evidence is currently insufficient to determine the role of this variant in disease. Therefore, it has been classified as a Variant of Uncertain Significance.